The following is an entry in ClinVar:

ClinVar aggregate classification (germline): Uncertain significance (1 of 4 stars; one submission).

gnomAD v4.1: 2 of 1,613,896 alleles (0.00012%); highest among the groups gnomAD compares: African/African-American, 0.0027%; no homozygotes.

Submission:

GeneDx
Classification: Uncertain significance. Last evaluated: 2024-10-11. Review status: criteria provided, single submitter. Criteria: GeneDx Variant Classification Process June 2021. Collection method: clinical testing. Allele origin: germline. Affected: yes.
Comment: Not observed at significant frequency in large population cohorts (gnomAD); In silico analysis indicates that this missense variant does not alter protein structure/function; Has not been previously published as pathogenic or benign to our knowledge

NM_032217.5(ANKRD17):c.5371G>A (p.Ala1791Thr)

Gene: ANKRD17 (ankyrin repeat domain 17; minus strand). Cytogenetic location: 4q13.3.
Variant type: single nucleotide variant.
Coding change: c.5371G>A on transcript NM_032217.5 (MANE Select); coding-DNA position 5371, G replaced by A.
Protein change: p.Ala1791Thr; replaces alanine 1791 with threonine.
Molecular consequence: missense variant.
Genome position (GRCh38, 1-based): chr4:73,092,257, C>T on the plus strand (G>A on the coding strand, the complement: ANKRD17 is on the minus strand). VCF-style: chr4-73092257-C-T. GRCh37 (hg19) VCF-style: chr4-73957974-C-T.
Other names: c.5032G>A, p.Ala1678Thr (NM_001286771.3); c.5368G>A, p.Ala1790Thr (NM_015574.2); c.4618G>A, p.Ala1540Thr (NM_198889.3); short protein forms A1540T, A1678T, A1790T, A1791T.
Identifiers: ClinVar variation 3777481 (VCV003777481.1).